The following is an entry in ClinVar:

NM_001232.4(CASQ2):c.748C>G (p.Arg250Gly)

Gene: CASQ2 (calsequestrin 2; minus strand). Cytogenetic location: 1p13.1.
Variant type: single nucleotide variant.
Coding change: c.748C>G on transcript NM_001232.4 (MANE Select); coding-DNA position 748, C replaced by G.
Protein change: p.Arg250Gly; replaces arginine 250 with glycine.
Molecular consequence: missense variant.
Genome position (GRCh38, 1-based): chr1:115,725,543, G>C on the plus strand (C>G on the coding strand, the complement: CASQ2 is on the minus strand). VCF-style: chr1-115725543-G-C. GRCh37 (hg19) VCF-style: chr1-116268164-G-C.
Other names: short protein forms R250G.
Identifiers: ClinVar variation 4868167 (VCV004868167.1).
Genomic context (GRCh38, chr1:115,725,543, plus strand): 5'-CAAAGAGAGTTTGCCTCTTTCTTACCCATGTTTCAAACATTTCTTCTGGGCGCAGGCGAC[G>C]TAGAGTGGGTCTGGAAAAAAAAAAAAAAAAAAAAAAAGAAAGAGCTTCCTTGAGTAGGGA-3'
Protein context (NP_001223.2, residues 240-260): FVKEHQRPTL[Arg250Gly]RLRPEEMFET

ClinVar aggregate classification (germline): Uncertain significance (1 of 4 stars; one submission).

Conditions:
Cardiovascular phenotype. Identifiers: MedGen CN230736.

gnomAD v4.1: 1 of 1,458,070 alleles (0.000069%); highest among the groups gnomAD compares: East Asian, 0.0023%; no homozygotes.

Submission:

Ambry Genetics
Classification: Uncertain significance for Cardiovascular phenotype. Last evaluated: 2026-04-21. Review status: criteria provided, single submitter. Criteria: Ambry Variant Classification Scheme 2023. Collection method: clinical testing. Allele origin: germline.
Comment: The p.R250G variant (also known as c.748C>G), located in coding exon 7 of the CASQ2 gene, results from a C to G substitution at nucleotide position 748. The arginine at codon 250 is replaced by glycine, an amino acid with dissimilar properties. This amino acid position is highly conserved in available vertebrate species. In addition, this alteration is predicted to be deleterious by in silico analysis. Based on the available evidence, the clinical significance of this variant remains unclear.